The following is an entry in ClinVar:

ClinVar aggregate classification (germline): Likely pathogenic (1 of 4 stars; one submission).

Conditions:
Hypertrophic cardiomyopathy. Also called: HYPERTROPHIC MYOCARDIOPATHY. Identifiers: Orphanet 217569, MedGen C0007194, MeSH D002312, MONDO:0005045, HP:0001639.

Submission:

Labcorp Genetics (formerly Invitae), Labcorp
Classification: Likely pathogenic for Hypertrophic cardiomyopathy. Last evaluated: 2022-11-29. Review status: criteria provided, single submitter. Criteria: Invitae Variant Classification Sherloc (09022015). Collection method: clinical testing. Allele origin: germline.
Comment: ClinVar contains an entry for this variant (Variation ID: 659235). This variant has not been reported in the literature in individuals affected with MYH7-related conditions. This variant is not present in population databases (gnomAD no frequency). Advanced modeling of protein sequence and biophysical properties (such as structural, functional, and spatial information, amino acid conservation, physicochemical variation, residue mobility, and thermodynamic stability) performed at Invitae indicates that this missense variant is expected to disrupt MYH7 protein function. This sequence change replaces glycine, which is neutral and non-polar, with valine, which is neutral and non-polar, at codon 584 of the MYH7 protein (p.Gly584Val). In summary, the currently available evidence indicates that the variant is pathogenic, but additional data are needed to prove that conclusively. Therefore, this variant has been classified as Likely Pathogenic. This variant disrupts the p.Gly584 amino acid residue in MYH7. Other variant(s) that disrupt this residue have been determined to be pathogenic (PMID: 8250038, 12974739, 22429680, 23283745, 24093860, 24510615, 26187847). This suggests that this residue is clinically significant, and that variants that disrupt this residue are likely to be disease-causing.

Literature cited by the submitters: PubMed 8250038; PubMed 12974739; PubMed 22429680; PubMed 23283745; PubMed 24093860; PubMed 24510615; PubMed 26187847.

NM_000257.4(MYH7):c.1751G>T (p.Gly584Val)

Gene: MYH7 (myosin heavy chain 7; minus strand). Cytogenetic location: 14q11.2.
Variant type: single nucleotide variant.
Coding change: c.1751G>T on transcript NM_000257.4 (MANE Select); coding-DNA position 1751, G replaced by T.
Protein change: p.Gly584Val; replaces glycine 584 with valine.
Molecular consequence: missense variant.
Genome position (GRCh38, 1-based): chr14:23,427,722, C>A on the plus strand (G>T on the coding strand, the complement: MYH7 is on the minus strand). VCF-style: chr14-23427722-C-A. GRCh37 (hg19) VCF-style: chr14-23896931-C-A.
Other names: short protein forms G584V.
Identifiers: ClinVar variation 659235 (VCV000659235.8), dbSNP rs1595085409, ClinGen allele CA389049892.